The following is an entry in ClinVar:

ClinVar aggregate classification (germline): Uncertain significance (1 of 4 stars; one submission).

gnomAD v4.1: 10 of 1,614,132 alleles (0.00062%); highest among the groups gnomAD compares: Non-Finnish European, 0.00085%; no homozygotes.

Submission:

Athena Diagnostics
Classification: Uncertain significance. Last evaluated: 2023-06-15. Review status: criteria provided, single submitter. Criteria: Athena Diagnostics Criteria. Collection method: clinical testing. Allele origin: unknown.
Comment: Available data are insufficient to determine the clinical significance of the variant at this time. This variant has not been reported in large, multi-ethnic general populations. Computational tools yielded predictions that this variant is unlikely to have an effect on normal RNA splicing.

NM_006796.3(AFG3L2):c.1386G>A (p.Ala462=)

Gene: AFG3L2 (AFG3 like matrix AAA peptidase subunit 2; minus strand). Cytogenetic location: 18p11.21.
Variant type: single nucleotide variant.
Coding change: c.1386G>A on transcript NM_006796.3 (MANE Select); coding-DNA position 1386, G replaced by A.
Protein change: p.Ala462=; no amino-acid change (alanine 462 retained).
Molecular consequence: synonymous variant.
Genome position (GRCh38, 1-based): chr18:12,351,346, C>T on the plus strand (G>A on the coding strand, the complement: AFG3L2 is on the minus strand). VCF-style: chr18-12351346-C-T. GRCh37 (hg19) VCF-style: chr18-12351345-C-T.
Identifiers: ClinVar variation 2684345 (VCV002684345.1), dbSNP rs2510227086, ClinGen allele CA502965090.